The following is an entry in ClinVar:

ClinVar aggregate classification (germline): Uncertain significance. Review status: criteria provided, multiple submitters, no conflicts (2 of 4 stars). 2 submissions from 2 submitters: Uncertain significance (2). Last evaluated 2023-03-01.

Conditions:
Combined immunodeficiency due to CTPS1 deficiency. Also called: Immunodeficiency 24; Severe combined immunodeficiency due to CTPS1 deficiency. Identifiers: Orphanet 420573, MedGen C4014617, MONDO:0014391, OMIM 615897.

Allele frequency attached by ClinVar (database versions not stated): TOPMed 0.00001; gnomAD 0.00004; ExAC 0.00007.
gnomAD v4.1: 63 of 1,613,174 alleles (0.0039%); highest among the groups gnomAD compares: Non-Finnish European, 0.0032%; no homozygotes.

Submissions (2):

Labcorp Genetics (formerly Invitae), Labcorp
Classification: Uncertain significance for Combined immunodeficiency due to CTPS1 deficiency. Last evaluated: 2023-03-01. Review status: criteria provided, single submitter. Criteria: Invitae Variant Classification Sherloc (09022015). Collection method: clinical testing. Allele origin: germline.
Comment: ClinVar contains an entry for this variant (Variation ID: 2310778). This sequence change replaces arginine, which is basic and polar, with histidine, which is basic and polar, at codon 294 of the CTPS1 protein (p.Arg294His). This variant is present in population databases (rs772950670, gnomAD 0.008%). This variant has not been reported in the literature in individuals affected with CTPS1-related conditions. An algorithm developed to predict the effect of missense changes on protein structure and function (PolyPhen-2) suggests that this variant is likely to be tolerated. In summary, the available evidence is currently insufficient to determine the role of this variant in disease. Therefore, it has been classified as a Variant of Uncertain Significance.

Ambry Genetics
Classification: Uncertain significance. Last evaluated: 2022-09-06. Review status: criteria provided, single submitter. Criteria: Ambry Variant Classification Scheme 2023. Collection method: clinical testing. Allele origin: germline.

NM_001905.4(CTPS1):c.881G>A (p.Arg294His)

Gene: CTPS1 (CTP synthase 1; plus strand). Cytogenetic location: 1p34.2.
Variant type: single nucleotide variant.
Coding change: c.881G>A on transcript NM_001905.4 (MANE Select); coding-DNA position 881, G replaced by A.
Protein change: p.Arg294His; replaces arginine 294 with histidine.
Molecular consequence: missense variant. On other transcripts: non-coding transcript variant (1).
Genome position (GRCh38, 1-based): chr1:40,997,402, G>A. VCF-style: chr1-40997402-G-A. GRCh37 (hg19) VCF-style: chr1-41463074-G-A.
Other names: c.413G>A, p.Arg138His (NM_001301237.2); short protein forms R294H, R138H.
Identifiers: ClinVar variation 2310778 (VCV002310778.5), dbSNP rs772950670, ClinGen allele CA795377.